The following is an entry in ClinVar:

NM_001152.5(SLC25A5):c.201T>C (p.Val67=)

Gene: SLC25A5 (solute carrier family 25 member 5; plus strand). Cytogenetic location: Xq24.
Variant type: single nucleotide variant.
Coding change: c.201T>C on transcript NM_001152.5 (MANE Select); coding-DNA position 201, T replaced by C.
Protein change: p.Val67=; no amino-acid change (valine 67 retained).
Molecular consequence: synonymous variant.
Genome position (GRCh38, 1-based): chrX:119,469,750, T>C. VCF-style: chrX-119469750-T-C. GRCh37 (hg19) VCF-style: chrX-118603713-T-C.
Identifiers: ClinVar variation 3059021 (VCV003059021.2), dbSNP rs201182381, ClinGen allele CA10502039.

ClinVar aggregate classification (germline): Likely benign (0 of 4 stars; one submission).

Conditions:
SLC25A5-related disorder. Also called: SLC25A5-related condition.

Allele frequency attached by ClinVar (database versions not stated): ExAC 0.02601.

Submission:

PreventionGenetics, part of Exact Sciences
Classification: Likely benign for SLC25A5-related condition. Last evaluated: 2019-09-24. Review status: no assertion criteria provided. Collection method: clinical testing. Allele origin: germline.
Comment: This variant is classified as likely benign based on ACMG/AMP sequence variant interpretation guidelines (Richards et al. 2015 PMID: 25741868, with internal and published modifications).